The following is an entry in ClinVar:

NM_017999.5(RNF31):c.764G>A (p.Arg255His)

Gene: RNF31 (ring finger protein 31; plus strand). Cytogenetic location: 14q12.
Variant type: single nucleotide variant.
Coding change: c.764G>A on transcript NM_017999.5 (MANE Select); coding-DNA position 764, G replaced by A.
Protein change: p.Arg255His; replaces arginine 255 with histidine.
Molecular consequence: missense variant.
Genome position (GRCh38, 1-based): chr14:24,149,538, G>A. VCF-style: chr14-24149538-G-A. GRCh37 (hg19) VCF-style: chr14-24618747-G-A.
Other names: c.311G>A, p.Arg104His (NM_001310332.2); short protein forms R104H, R255H.
Identifiers: ClinVar variation 2899108 (VCV002899108.3), dbSNP rs763491091, ClinGen allele CA7125611.

ClinVar aggregate classification (germline): Uncertain significance (1 of 4 stars; one submission).

Allele frequency attached by ClinVar (database versions not stated): ExAC 0.00002; TOPMed 0.00002; gnomAD exomes 0.00005.
gnomAD v4.1: 74 of 1,613,976 alleles (0.0046%); highest among the groups gnomAD compares: Non-Finnish European, 0.0062%; no homozygotes.

Submission:

Labcorp Genetics (formerly Invitae), Labcorp
Classification: Uncertain significance. Last evaluated: 2022-12-28. Review status: criteria provided, single submitter. Criteria: Invitae Variant Classification Sherloc (09022015). Collection method: clinical testing. Allele origin: germline.
Comment: In summary, the available evidence is currently insufficient to determine the role of this variant in disease. Therefore, it has been classified as a Variant of Uncertain Significance. Algorithms developed to predict the effect of missense changes on protein structure and function are either unavailable or do not agree on the potential impact of this missense change (SIFT: "Deleterious"; PolyPhen-2: "Probably Damaging"; Align-GVGD: "Class C0"). This variant has not been reported in the literature in individuals affected with RNF31-related conditions. This variant is present in population databases (rs763491091, gnomAD 0.005%). This sequence change replaces arginine, which is basic and polar, with histidine, which is basic and polar, at codon 255 of the RNF31 protein (p.Arg255His).